The following is an entry in ClinVar:

ClinVar aggregate classification (germline): Likely benign. Review status: criteria provided, multiple submitters, no conflicts (2 of 4 stars). 6 submissions from 6 submitters: Likely benign (5). 1 of the submissions does not count toward it. Last evaluated 2026-01-29.

Conditions:
SYNE4-related disorder. Also called: SYNE4-related condition.

Allele frequency attached by ClinVar (database versions not stated): 1000 Genomes Project 30x 0.00016; 1000 Genomes Project 0.00020; ESP Exome Variant Server 0.00191.
gnomAD v4.1: 3,224 of 1,614,002 alleles (0.2%); highest among the groups gnomAD compares: Non-Finnish European, 0.25%; 10 homozygotes.

Submissions (6):

Labcorp Genetics (formerly Invitae), Labcorp
Classification: Likely benign. Last evaluated: 2026-01-29. Review status: criteria provided, single submitter. Criteria: Invitae Variant Classification Sherloc (09022015). Collection method: clinical testing. Allele origin: germline.

Blueprint Genetics
Classification: Likely benign. Last evaluated: 2024-11-24. Review status: criteria provided, single submitter. Criteria: ACMG Guidelines, 2015. Collection method: clinical testing. Allele origin: germline.

CeGaT Center for Human Genetics Tuebingen
Classification: Likely benign. Last evaluated: 2024-10-01. Review status: criteria provided, single submitter. Criteria: CeGaT Center For Human Genetics Tuebingen Variant Classification Criteria Version 2. Collection method: clinical testing. Allele origin: germline. Affected: yes. Observed: 2 variant alleles.
Comment: SYNE4: BP4, BS2

GeneDx
Classification: Likely benign. Last evaluated: 2020-09-09. Review status: criteria provided, single submitter. Criteria: GeneDx Variant Classification Process June 2021. Collection method: clinical testing. Allele origin: germline. Affected: yes.

Breakthrough Genomics
Classification: Likely benign. Review status: criteria provided, single submitter. Criteria: ACMG Guidelines, 2015. Collection method: not provided. Allele origin: germline. Inheritance: Autosomal recessive inheritance. Affected: yes.

PreventionGenetics, part of Exact Sciences
Classification: Likely benign for SYNE4-related condition. Last evaluated: 2021-04-09. Review status: no assertion criteria provided. Collection method: clinical testing. Allele origin: germline. Not counted in ClinVar's aggregate classification.
Comment: This variant is classified as likely benign based on ACMG/AMP sequence variant interpretation guidelines (Richards et al. 2015 PMID: 25741868, with internal and published modifications).

NM_001039876.3(SYNE4):c.916G>C (p.Gly306Arg)

Gene: SYNE4 (spectrin repeat containing nuclear envelope family member 4; minus strand). Cytogenetic location: 19q13.12.
Variant type: single nucleotide variant.
Coding change: c.916G>C on transcript NM_001039876.3 (MANE Select); coding-DNA position 916, G replaced by C.
Protein change: p.Gly306Arg; replaces glycine 306 with arginine.
Molecular consequence: missense variant.
Genome position (GRCh38, 1-based): chr19:36,005,389, C>G on the plus strand (G>C on the coding strand, the complement: SYNE4 is on the minus strand). VCF-style: chr19-36005389-C-G. GRCh37 (hg19) VCF-style: chr19-36496291-C-G.
Other names: c.577G>C, p.Gly193Arg (NM_001297735.3); short protein forms G193R, G306R.
Identifiers: ClinVar variation 682357 (VCV000682357.38), dbSNP rs112382150, ClinGen allele CA9393808.